The following is an entry in ClinVar:

ClinVar aggregate classification (germline): Likely benign (0 of 4 stars; one submission).

Conditions:
SIN3B-related disorder. Also called: SIN3B-related condition.

gnomAD v4.1: 2 of 1,612,830 alleles (0.00012%); highest among the groups gnomAD compares: Non-Finnish European, 0.00017%; no homozygotes.

Submission:

PreventionGenetics, part of Exact Sciences
Classification: Likely benign for SIN3B-related condition. Last evaluated: 2019-04-11. Review status: no assertion criteria provided. Collection method: clinical testing. Allele origin: germline.
Comment: This variant is classified as likely benign based on ACMG/AMP sequence variant interpretation guidelines (Richards et al. 2015 PMID: 25741868, with internal and published modifications).

NM_001297595.2(SIN3B):c.984C>T (p.Leu328=)

Gene: SIN3B (SIN3 transcription regulator family member B; plus strand). Cytogenetic location: 19p13.11.
Variant type: single nucleotide variant.
Coding change: c.984C>T on transcript NM_001297595.2 (MANE Select); coding-DNA position 984, C replaced by T.
Protein change: p.Leu328=; no amino-acid change (leucine 328 retained).
Molecular consequence: synonymous variant.
Genome position (GRCh38, 1-based): chr19:16,854,187, C>T. VCF-style: chr19-16854187-C-T. GRCh37 (hg19) VCF-style: chr19-16964998-C-T.
Other names: c.984C>T, p.Leu328= (NM_015260.4).
Identifiers: ClinVar variation 3353091 (VCV003353091.1).